The following is an entry in ClinVar:

ClinVar aggregate classification (germline): Uncertain significance. Review status: criteria provided, multiple submitters, no conflicts (2 of 4 stars). 3 submissions from 3 submitters: Uncertain significance (3). Last evaluated 2025-10-14.

Allele frequency attached by ClinVar (database versions not stated): ESP Exome Variant Server 0.00008; 1000 Genomes Project 30x 0.00031; ExAC 0.00008; gnomAD exomes 0.00004; gnomAD 0.00005; TOPMed 0.00005; 1000 Genomes Project 0.00040.
gnomAD v4.1: 74 of 1,614,076 alleles (0.0046%); highest among the groups gnomAD compares: East Asian, 0.071%; no homozygotes.

Submissions (3):

Labcorp Genetics (formerly Invitae), Labcorp
Classification: Uncertain significance. Last evaluated: 2025-10-14. Review status: criteria provided, single submitter. Criteria: Invitae Variant Classification Sherloc (09022015). Collection method: clinical testing. Allele origin: germline.
Comment: This sequence change replaces isoleucine, which is neutral and non-polar, with valine, which is neutral and non-polar, at codon 467 of the SRP72 protein (p.Ile467Val). This variant is present in population databases (rs139050510, gnomAD 0.07%), and has an allele count higher than expected for a pathogenic variant. This variant has not been reported in the literature in individuals affected with SRP72-related conditions. ClinVar contains an entry for this variant (Variation ID: 2886199). Invitae Evidence Modeling of protein sequence and biophysical properties (such as structural, functional, and spatial information, amino acid conservation, physicochemical variation, residue mobility, and thermodynamic stability) indicates that this missense variant is not expected to disrupt SRP72 protein function with a negative predictive value of 80%. In summary, the available evidence is currently insufficient to determine the role of this variant in disease. Therefore, it has been classified as a Variant of Uncertain Significance.

Ambry Genetics
Classification: Uncertain significance. Last evaluated: 2024-11-22. Review status: criteria provided, single submitter. Criteria: Ambry Variant Classification Scheme 2023. Collection method: clinical testing. Allele origin: germline.
Comment: The p.I467V variant (also known as c.1399A>G), located in coding exon 14 of the SRP72 gene, results from an A to G substitution at nucleotide position 1399. The isoleucine at codon 467 is replaced by valine, an amino acid with highly similar properties. This amino acid position is conserved. In addition, this alteration is predicted to be tolerated by in silico analysis. Based on the available evidence, the clinical significance of this variant remains unclear.

GeneDx
Classification: Uncertain significance. Last evaluated: 2023-07-24. Review status: criteria provided, single submitter. Criteria: GeneDx Variant Classification Process June 2021. Collection method: clinical testing. Allele origin: germline. Affected: yes.
Comment: In silico analysis supports that this missense variant does not alter protein structure/function; Has not been previously published as pathogenic or benign to our knowledge

NM_006947.4(SRP72):c.1399A>G (p.Ile467Val)

Gene: SRP72 (signal recognition particle 72; plus strand). Cytogenetic location: 4q12.
Variant type: single nucleotide variant.
Coding change: c.1399A>G on transcript NM_006947.4 (MANE Select); coding-DNA position 1399, A replaced by G.
Protein change: p.Ile467Val; replaces isoleucine 467 with valine.
Molecular consequence: missense variant. On other transcripts: non-coding transcript variant (1).
Genome position (GRCh38, 1-based): chr4:56,490,411, A>G. VCF-style: chr4-56490411-A-G. GRCh37 (hg19) VCF-style: chr4-57356577-A-G.
Other names: c.1216A>G, p.Ile406Val (NM_001267722.2); c.1399A>G (NM_006947.3); short protein forms I406V, I467V.
Identifiers: ClinVar variation 2886199 (VCV002886199.5), dbSNP rs139050510, ClinGen allele CA2931350.